The following is an entry in ClinVar:

ClinVar aggregate classification (germline): Uncertain significance. Review status: criteria provided, multiple submitters, no conflicts (2 of 4 stars). 3 submissions from 3 submitters: Uncertain significance (2). 1 of the submissions does not count toward it. Last evaluated 2025-06-09.

Conditions:
Bloom syndrome (BLM). Also called: Bloom-Torre-Machacek syndrome. Identifiers: Orphanet 125, MedGen C0005859, MONDO:0008876, OMIM 210900.
Hereditary cancer-predisposing syndrome. Also called: Neoplastic Syndromes, Hereditary; Tumor predisposition; Hereditary neoplastic syndrome; Hereditary Cancer Syndrome. Identifiers: Orphanet 140162, MedGen C0027672, MeSH D009386, MONDO:0015356.

Allele frequency attached by ClinVar (database versions not stated): gnomAD exomes 0.00001.

Submissions (3):

Labcorp Genetics (formerly Invitae), Labcorp
Classification: Uncertain significance for Bloom syndrome. Last evaluated: 2025-06-09. Review status: criteria provided, single submitter. Criteria: Invitae Variant Classification Sherloc (09022015). Collection method: clinical testing. Allele origin: germline.
Comment: This sequence change replaces alanine, which is neutral and non-polar, with serine, which is neutral and polar, at codon 2 of the BLM protein (p.Ala2Ser). This variant is not present in population databases (gnomAD no frequency). This variant has not been reported in the literature in individuals affected with BLM-related conditions. ClinVar contains an entry for this variant (Variation ID: 580296). An algorithm developed to predict the effect of missense changes on protein structure and function (PolyPhen-2) suggests that this variant is likely to be disruptive. In summary, the available evidence is currently insufficient to determine the role of this variant in disease. Therefore, it has been classified as a Variant of Uncertain Significance.

Ambry Genetics
Classification: Uncertain significance for Hereditary cancer-predisposing syndrome. Last evaluated: 2024-02-25. Review status: criteria provided, single submitter. Criteria: Ambry Variant Classification Scheme 2023. Collection method: clinical testing. Allele origin: germline.
Comment: The p.A2S variant (also known as c.4G>T), located in coding exon 1 of the BLM gene, results from a G to T substitution at nucleotide position 4. The alanine at codon 2 is replaced by serine, an amino acid with similar properties. This amino acid position is conserved. In addition, this alteration is predicted to be tolerated by in silico analysis. Since supporting evidence is limited at this time, the clinical significance of this alteration remains unclear.

Natera, Inc.
Classification: Uncertain significance for Bloom syndrome. Last evaluated: 2020-10-29. Review status: no assertion criteria provided. Collection method: clinical testing. Allele origin: germline. Not counted in ClinVar's aggregate classification.

NM_000057.4(BLM):c.4G>T (p.Ala2Ser)

Gene: BLM (BLM RecQ like helicase; plus strand). Cytogenetic location: 15q26.1.
Variant type: single nucleotide variant.
Coding change: c.4G>T on transcript NM_000057.4 (MANE Select); coding-DNA position 4, G replaced by T.
Protein change: p.Ala2Ser; replaces alanine 2 with serine.
Molecular consequence: missense variant. On other transcripts: 5 prime UTR variant (1).
Genome position (GRCh38, 1-based): chr15:90,747,396, G>T. VCF-style: chr15-90747396-G-T. GRCh37 (hg19) VCF-style: chr15-91290626-G-T.
Other names: c.4G>T, p.Ala2Ser (NM_001287246.2, NM_001287247.2); c.-1288G>T (NM_001287248.2); c.4G>T (NM_000057.2); short protein forms A2S.
Identifiers: ClinVar variation 580296 (VCV000580296.16), dbSNP rs199769364, ClinGen allele CA274726271.